The following is an entry in ClinVar:

ClinVar aggregate classification (germline): Uncertain significance. Review status: criteria provided, multiple submitters, no conflicts (2 of 4 stars). 2 submissions from 2 submitters: Uncertain significance (2). Last evaluated 2022-11-03.

Allele frequency attached by ClinVar (database versions not stated): TOPMed below 0.00001; ExAC 0.00001; gnomAD 0.00001.
gnomAD v4.1: 26 of 1,613,866 alleles (0.0016%); highest among the groups gnomAD compares: Middle Eastern, 0.016%; no homozygotes.

Submissions (2):

Blueprint Genetics
Classification: Uncertain significance. Last evaluated: 2022-11-03. Review status: criteria provided, single submitter. Criteria: ACMG Guidelines, 2015. Collection method: clinical testing. Allele origin: germline.

Labcorp Genetics (formerly Invitae), Labcorp
Classification: Uncertain significance. Last evaluated: 2022-08-31. Review status: criteria provided, single submitter. Criteria: Invitae Variant Classification Sherloc (09022015). Collection method: clinical testing. Allele origin: germline.
Comment: This sequence change replaces arginine, which is basic and polar, with histidine, which is basic and polar, at codon 422 of the RCBTB1 protein (p.Arg422His). This variant is present in population databases (rs552942778, gnomAD 0.006%). This variant has not been reported in the literature in individuals affected with RCBTB1-related conditions. ClinVar contains an entry for this variant (Variation ID: 1477328). Algorithms developed to predict the effect of missense changes on protein structure and function are either unavailable or do not agree on the potential impact of this missense change (SIFT: "Deleterious"; PolyPhen-2: "Benign"; Align-GVGD: "Class C0"). In summary, the available evidence is currently insufficient to determine the role of this variant in disease. Therefore, it has been classified as a Variant of Uncertain Significance.

NM_018191.4(RCBTB1):c.1265G>A (p.Arg422His)

Gene: RCBTB1 (RCC1 and BTB domain containing protein 1; minus strand). Cytogenetic location: 13q14.2.
Variant type: single nucleotide variant.
Coding change: c.1265G>A on transcript NM_018191.4 (MANE Select); coding-DNA position 1265, G replaced by A.
Protein change: p.Arg422His; replaces arginine 422 with histidine.
Molecular consequence: missense variant. On other transcripts: non-coding transcript variant (2).
Genome position (GRCh38, 1-based): chr13:49,541,735, C>T on the plus strand (G>A on the coding strand, the complement: RCBTB1 is on the minus strand). VCF-style: chr13-49541735-C-T. GRCh37 (hg19) VCF-style: chr13-50115871-C-T.
Other names: c.1265G>A, p.Arg422His (NM_001352500.2, NM_001352501.2, NM_001352502.2 and 2 more transcripts); c.686G>A, p.Arg229His (NM_001352506.2); short protein forms R422H, R229H.
Identifiers: ClinVar variation 1477328 (VCV001477328.4), dbSNP rs552942778, ClinGen allele CA6982623.